The following is an entry in ClinVar:

ClinVar aggregate classification (germline): Uncertain significance (1 of 4 stars; one submission).

Conditions:
Cardiovascular phenotype. Identifiers: MedGen CN230736.

gnomAD v4.1: 1 of 1,549,802 alleles (0.000065%); highest among the groups gnomAD compares: East Asian, 0.0024%; no homozygotes.

Submission:

Ambry Genetics
Classification: Uncertain significance for Cardiovascular phenotype. Last evaluated: 2025-01-31. Review status: criteria provided, single submitter. Criteria: Ambry Variant Classification Scheme 2023. Collection method: clinical testing. Allele origin: germline.
Comment: The p.M2095V variant (also known as c.6283A>G), located in coding exon 2 of the ZNF469 gene, results from an A to G substitution at nucleotide position 6283. The methionine at codon 2095 is replaced by valine, an amino acid with highly similar properties. This amino acid position is conserved. In addition, this alteration is predicted to be tolerated by in silico analysis. Based on the available evidence, the clinical significance of this variant remains unclear.

NM_001367624.2(ZNF469):c.6367A>G (p.Met2123Val)

Gene: ZNF469 (zinc finger protein 469; plus strand). Cytogenetic location: 16q24.2.
Variant type: single nucleotide variant.
Coding change: c.6367A>G on transcript NM_001367624.2 (MANE Select); coding-DNA position 6367, A replaced by G.
Protein change: p.Met2123Val; replaces methionine 2123 with valine.
Molecular consequence: missense variant.
Genome position (GRCh38, 1-based): chr16:88,433,837, A>G. VCF-style: chr16-88433837-A-G. GRCh37 (hg19) VCF-style: chr16-88500245-A-G.
Other names: NM_001127464.1:c.6283A>G; short protein forms M2123V.
Identifiers: ClinVar variation 3821130 (VCV003821130.1).
Genomic context (GRCh38, chr16:88,433,837, plus strand): 5'-CCAGCACCCTCTGTCGGGGACCTGGCCGCCTGCGCCCCCTCACCCACTTCAGCCGCCCAC[A>G]TGCCCTGCAGCCTTGGGCCCCTGCCCCGTGAAGACCCACTTACCTCGCCTTCCAGGGCCC-3'
Protein context (NP_001354553.1, residues 2113-2133): CAPSPTSAAH[Met2123Val]PCSLGPLPRE